The following is an entry in ClinVar:

ClinVar aggregate classification (germline): Uncertain significance (1 of 4 stars; one submission).

Allele frequency attached by ClinVar (database versions not stated): gnomAD exomes below 0.00001; ExAC 0.00001; TOPMed 0.00001.
gnomAD v4.1: 3 of 1,593,076 alleles (0.00019%); highest among the groups gnomAD compares: Non-Finnish European, 0.00026%; no homozygotes.

Submission:

Labcorp Genetics (formerly Invitae), Labcorp
Classification: Uncertain significance. Last evaluated: 2023-11-27. Review status: criteria provided, single submitter. Criteria: Invitae Variant Classification Sherloc (09022015). Collection method: clinical testing. Allele origin: germline.
Comment: This sequence change replaces methionine, which is neutral and non-polar, with valine, which is neutral and non-polar, at codon 591 of the IMPG2 protein (p.Met591Val). This variant is present in population databases (rs758166689, gnomAD 0.007%). This variant has not been reported in the literature in individuals affected with IMPG2-related conditions. ClinVar contains an entry for this variant (Variation ID: 954972). Advanced modeling of protein sequence and biophysical properties (such as structural, functional, and spatial information, amino acid conservation, physicochemical variation, residue mobility, and thermodynamic stability) performed at Invitae indicates that this missense variant is not expected to disrupt IMPG2 protein function with a negative predictive value of 80%. In summary, the available evidence is currently insufficient to determine the role of this variant in disease. Therefore, it has been classified as a Variant of Uncertain Significance.

NM_016247.4(IMPG2):c.1771A>G (p.Met591Val)

Gene: IMPG2 (interphotoreceptor matrix proteoglycan 2; minus strand). Cytogenetic location: 3q12.3.
Variant type: single nucleotide variant.
Coding change: c.1771A>G on transcript NM_016247.4 (MANE Select); coding-DNA position 1771, A replaced by G.
Protein change: p.Met591Val; replaces methionine 591 with valine.
Molecular consequence: missense variant.
Genome position (GRCh38, 1-based): chr3:101,244,560, T>C on the plus strand (A>G on the coding strand, the complement: IMPG2 is on the minus strand). VCF-style: chr3-101244560-T-C. GRCh37 (hg19) VCF-style: chr3-100963404-T-C.
Other names: short protein forms M591V.
Identifiers: ClinVar variation 954972 (VCV000954972.9), dbSNP rs758166689, ClinGen allele CA2519093.
Genomic context (GRCh38, chr3:101,244,560, plus strand): 5'-GATCTACCTTTTGCCCAGACCCTGAACCTAAACCACCGTCAAATATTAACTCTTTTTCCA[T>C]GGATGCATCTGGCAGGAAAGGGCTCACTTTTAATTGGTCTTTGACTTTGGAGGTCAAGGA-3'
Protein context (NP_057331.2, residues 581-601): KVSPFLPDAS[Met591Val]EKELIFDGGL